The following is an entry in ClinVar:

NM_000548.5(TSC2):c.2837+5G>A

Gene: TSC2 (TSC complex subunit 2; plus strand). Cytogenetic location: 16p13.3.
Variant type: single nucleotide variant.
Coding change: c.2837+5G>A on transcript NM_000548.5 (MANE Select); 5 bases into the intron after coding-DNA position 2837, G replaced by A.
Molecular consequence: intron variant.
Genome position (GRCh38, 1-based): chr16:2,076,590, G>A. VCF-style: chr16-2076590-G-A. GRCh37 (hg19) VCF-style: chr16-2126591-G-A.
Other names: c.2837+5G>A (NM_001114382.3, NM_021055.3, NM_001370405.1 and 3 more transcripts); c.2726+5G>A (NM_001318827.2); c.2237+5G>A (NM_001318831.2); c.2690+5G>A (NM_001318829.2); c.2870+5G>A (NM_001318832.2).
Identifiers: ClinVar variation 187511 (VCV000187511.17), dbSNP rs786203791, ClinGen allele CA018257.

ClinVar aggregate classification (germline): Likely benign. Review status: criteria provided, multiple submitters, no conflicts (2 of 4 stars). 4 submissions from 4 submitters: Likely benign (4). Last evaluated 2026-01-25.

Conditions:
Hereditary cancer-predisposing syndrome. Also called: Hereditary Cancer Syndrome; Neoplastic Syndromes, Hereditary; Tumor predisposition; Hereditary neoplastic syndrome. Identifiers: Orphanet 140162, MedGen C0027672, MeSH D009386, MONDO:0015356.
Tuberous sclerosis 2 (TSC2). Identifiers: Orphanet 805, MedGen C1860707, MONDO:0013199, OMIM 613254.

Allele frequency attached by ClinVar (database versions not stated): gnomAD exomes below 0.00001.
gnomAD v4.1: 9 of 1,612,866 alleles (0.00056%); highest among the groups gnomAD compares: South Asian, 0.0022%; no homozygotes.

Submissions (4):

Labcorp Genetics (formerly Invitae), Labcorp
Classification: Likely benign for Tuberous sclerosis 2. Last evaluated: 2026-01-25. Review status: criteria provided, single submitter. Criteria: Invitae Variant Classification Sherloc (09022015). Collection method: clinical testing. Allele origin: germline.

Ambry Genetics
Classification: Likely benign for Hereditary cancer-predisposing syndrome. Last evaluated: 2023-06-07. Review status: criteria provided, single submitter. Criteria: Ambry Variant Classification Scheme 2023. Collection method: clinical testing. Allele origin: germline.

Genome-Nilou Lab
Classification: Likely benign for Tuberous sclerosis 2. Last evaluated: 2021-11-07. Review status: criteria provided, single submitter. Criteria: ACMG Guidelines, 2015. Collection method: clinical testing. Allele origin: germline. Affected: no.

GeneDx
Classification: Likely benign. Last evaluated: 2015-12-24. Review status: criteria provided, single submitter. Criteria: GeneDx Variant Classification (06012015). Collection method: clinical testing. Allele origin: germline. Affected: yes.
Comment: This variant is considered likely benign or benign based on one or more of the following criteria: it is a conservative change, it occurs at a poorly conserved position in the protein, it is predicted to be benign by multiple in silico algorithms, and/or has population frequency not consistent with disease.